The following is an entry in ClinVar:

NM_002906.4(RDX):c.986A>G (p.Lys329Arg)

Gene: RDX (radixin; minus strand). Cytogenetic location: 11q22.3.
Variant type: single nucleotide variant.
Coding change: c.986A>G on transcript NM_002906.4 (MANE Select); coding-DNA position 986, A replaced by G.
Protein change: p.Lys329Arg; replaces lysine 329 with arginine.
Molecular consequence: missense variant. On other transcripts: 5 prime UTR variant (1), intron variant (1).
Genome position (GRCh38, 1-based): chr11:110,247,807, T>C on the plus strand (A>G on the coding strand, the complement: RDX is on the minus strand). VCF-style: chr11-110247807-T-C. GRCh37 (hg19) VCF-style: chr11-110118532-T-C.
Other names: c.986A>G, p.Lys329Arg (NM_001440508.1, NM_001440509.1, NM_001260492.2 and 4 more transcripts); c.953A>G, p.Lys318Arg (NM_001440510.1, NM_001440511.1, NM_001440513.1 and 2 more transcripts); c.1007A>G, p.Lys336Arg (NM_001440512.1); c.902A>G, p.Lys301Arg (NM_001440516.1); c.890A>G, p.Lys297Arg (NM_001440517.1); c.578A>G, p.Lys193Arg (NM_001260494.2); c.-56A>G (NM_001260495.2); c.404+10350A>G (NM_001260496.2); and 1 more; short protein forms K193R, K329R, K336R, K301R, K318R, K297R.
Identifiers: ClinVar variation 4745696 (VCV004745696.2).

ClinVar aggregate classification (germline): Uncertain significance. Review status: criteria provided, multiple submitters, no conflicts (2 of 4 stars). 2 submissions from 2 submitters: Uncertain significance (2). Last evaluated 2026-02-12.

Conditions:
RDX-related disorder. Also called: RDX-related condition.

gnomAD v4.1: 11 of 1,580,322 alleles (0.0007%); highest among the groups gnomAD compares: East Asian, 0.025%; no homozygotes.

Submissions (2):

PreventionGenetics, part of Exact Sciences
Classification: Uncertain significance for RDX-related condition. Last evaluated: 2026-02-12. Review status: criteria provided, single submitter. Criteria: ACMG Guidelines, 2015. Collection method: clinical testing. Allele origin: germline.
Comment: The RDX c.986A>G variant is predicted to result in the amino acid substitution p.Lys329Arg. To our knowledge, this variant has not been reported in the literature. This variant is reported in 0.020% of alleles in individuals of East Asian descent in gnomAD. At this time, the clinical significance of this variant is uncertain due to the absence of conclusive functional and genetic evidence.

Labcorp Genetics (formerly Invitae), Labcorp
Classification: Uncertain significance. Last evaluated: 2026-01-08. Review status: criteria provided, single submitter. Criteria: Invitae Variant Classification Sherloc (09022015). Collection method: clinical testing. Allele origin: germline.
Comment: This sequence change replaces lysine, which is basic and polar, with arginine, which is basic and polar, at codon 329 of the RDX protein (p.Lys329Arg). This variant is present in population databases (rs576461351, gnomAD 0.02%). This variant has not been reported in the literature in individuals affected with RDX-related conditions. An algorithm developed to predict the effect of missense changes on protein structure and function (PolyPhen-2) suggests that this variant is likely to be tolerated. In summary, the available evidence is currently insufficient to determine the role of this variant in disease. Therefore, it has been classified as a Variant of Uncertain Significance.